The following is an entry in ClinVar:

ClinVar aggregate classification (germline): Uncertain significance (1 of 4 stars; one submission).

gnomAD v4.1: 7 of 1,613,930 alleles (0.00043%); highest among the groups gnomAD compares: African/African-American, 0.0027%; no homozygotes.

Submission:

Labcorp Genetics (formerly Invitae), Labcorp
Classification: Uncertain significance. Last evaluated: 2024-10-29. Review status: criteria provided, single submitter. Criteria: Invitae Variant Classification Sherloc (09022015). Collection method: clinical testing. Allele origin: germline.
Comment: This sequence change replaces arginine, which is basic and polar, with histidine, which is basic and polar, at codon 50 of the SEMA4A protein (p.Arg50His). This variant is present in population databases (rs141456930, gnomAD 0.003%). This variant has not been reported in the literature in individuals affected with SEMA4A-related conditions. ClinVar contains an entry for this variant (Variation ID: 1932976). An algorithm developed to predict the effect of missense changes on protein structure and function outputs the following: PolyPhen-2: "Benign". The histidine amino acid residue is found in multiple mammalian species, which suggests that this missense change does not adversely affect protein function. In summary, the available evidence is currently insufficient to determine the role of this variant in disease. Therefore, it has been classified as a Variant of Uncertain Significance.

NM_022367.4(SEMA4A):c.149G>A (p.Arg50His)

Gene: SEMA4A (semaphorin 4A; plus strand). Cytogenetic location: 1q22.
Variant type: single nucleotide variant.
Coding change: c.149G>A on transcript NM_022367.4 (MANE Select); coding-DNA position 149, G replaced by A.
Protein change: p.Arg50His; replaces arginine 50 with histidine.
Molecular consequence: missense variant. On other transcripts: 5 prime UTR variant (4).
Genome position (GRCh38, 1-based): chr1:156,156,423, G>A. VCF-style: chr1-156156423-G-A. GRCh37 (hg19) VCF-style: chr1-156126214-G-A.
Other names: c.149G>A, p.Arg50His (NM_001193300.2, NM_001193301.2, NM_001370567.1); c.-149G>A (NM_001193302.2, NM_001370568.1); c.-376G>A (NM_001370569.1, NM_001370571.1); short protein forms R50H.
Identifiers: ClinVar variation 1932976 (VCV001932976.5), dbSNP rs141456930, ClinGen allele CA1154938.